The following is an entry in ClinVar:

NM_001081550.2(THOC2):c.3793G>A (p.Ala1265Thr)

Gene: THOC2 (THO complex subunit 2; minus strand). Cytogenetic location: Xq25.
Variant type: single nucleotide variant.
Coding change: c.3793G>A on transcript NM_001081550.2 (MANE Select); coding-DNA position 3793, G replaced by A.
Protein change: p.Ala1265Thr; replaces alanine 1265 with threonine.
Molecular consequence: missense variant.
Genome position (GRCh38, 1-based): chrX:123,621,580, C>T on the plus strand (G>A on the coding strand, the complement: THOC2 is on the minus strand). VCF-style: chrX-123621580-C-T. GRCh37 (hg19) VCF-style: chrX-122755431-C-T.
Other names: c.3793G>A, p.Ala1265Thr (NM_001441235.1, NM_001441236.1); short protein forms A1265T.
Identifiers: ClinVar variation 4687565 (VCV004687565.1).

ClinVar aggregate classification (germline): Uncertain significance (1 of 4 stars; one submission).

Submission:

Women's Health and Genetics/Laboratory Corporation of America, LabCorp
Classification: Uncertain significance. Last evaluated: 2025-10-31. Review status: criteria provided, single submitter. Criteria: LabCorp Variant Classification Summary - May 2015. Collection method: clinical testing. Allele origin: germline.
Comment: Variant summary: THOC2 c.3793G>A (p.Ala1265Thr) results in a non-conservative amino acid change in the encoded protein sequence. Algorithms developed to predict the effect of missense changes on protein structure and function are either unavailable or do not agree on the potential impact of this missense change. The variant was absent in 143159 control chromosomes. The available data on variant occurrences in the general population are insufficient to allow any conclusion about variant significance. To our knowledge, no occurrence of c.3793G>A in individuals affected with THOC2-related conditions and no experimental evidence demonstrating its impact on protein function have been reported. No submitters have cited clinical-significance assessments for this variant to ClinVar. Based on the evidence outlined above, the variant was classified as uncertain significance.